The following is an entry in ClinVar:

NM_000390.4(CHM):c.1414-1G>T

Gene: CHM (CHM Rab escort protein; minus strand). Cytogenetic location: Xq21.2.
Variant type: single nucleotide variant.
Coding change: c.1414-1G>T on transcript NM_000390.4 (MANE Select); the canonical splice acceptor site of the intron before coding-DNA position 1414, G replaced by T.
Molecular consequence: splice acceptor variant.
Genome position (GRCh38, 1-based): chrX:85,894,285, C>A on the plus strand (G>T on the coding strand, the complement: CHM is on the minus strand). VCF-style: chrX-85894285-C-A. GRCh37 (hg19) VCF-style: chrX-85149290-C-A.
Other names: c.970-1G>T (NM_001362519.1, NM_001362517.1, NM_001320959.1 and 1 more transcripts).
Identifiers: ClinVar variation 2750748 (VCV002750748.3), dbSNP rs2148144372, ClinGen allele CA413788622.

ClinVar aggregate classification (germline): Pathogenic (1 of 4 stars; one submission).

Submission:

Labcorp Genetics (formerly Invitae), Labcorp
Classification: Pathogenic. Last evaluated: 2024-02-01. Review status: criteria provided, single submitter. Criteria: Invitae Variant Classification Sherloc (09022015). Collection method: clinical testing. Allele origin: germline.
Comment: This sequence change affects an acceptor splice site in intron 11 of the CHM gene. It is expected to disrupt RNA splicing. Variants that disrupt the donor or acceptor splice site typically lead to a loss of protein function (PMID: 16199547), and loss-of-function variants in CHM are known to be pathogenic (PMID: 9067750, 23811034). This variant is not present in population databases (gnomAD no frequency). Disruption of this splice site has been observed in individual(s) with choroideremia (PMID: 7981671). Algorithms developed to predict the effect of sequence changes on RNA splicing suggest that this variant may disrupt the consensus splice site. For these reasons, this variant has been classified as Pathogenic.

Literature cited by the submitters: PubMed 16199547; PubMed 9067750; PubMed 23811034; PubMed 7981671.